The following is an entry in ClinVar:

ClinVar aggregate classification (germline): Uncertain significance. Review status: criteria provided, single submitter (1 of 4 stars). 2 submissions from 2 submitters: Uncertain significance (1). 1 of the submissions does not count toward it. Last evaluated 2025-01-03.

Conditions:
Lafora disease. Also called: Progressive Myoclonus Epilepsy, Lafora Type; Epilepsy progressive myoclonic 2. Identifiers: Orphanet 501, MedGen C0751783, MONDO:0009697.

gnomAD v4.1: 1 of 1,614,176 alleles (0.000062%); highest among the groups gnomAD compares: Non-Finnish European, 0.000085%; no homozygotes.

Submissions (2):

Broad Center for Mendelian Genomics, Broad Institute of MIT and Harvard
Classification: Uncertain significance for Lafora disease. Last evaluated: 2025-01-03. Review status: criteria provided, single submitter. Criteria: ACMG Guidelines, 2015. Collection method: curation. Allele origin: germline. Inheritance: Autosomal recessive inheritance.
Comment: The p.Val249Met variant in EPM2A has not been previously reported in the literature in individuals with Lafora disease, but has been identified in 0.00009% (1/1111976) of European (non-Finnish) chromosomes by the Genome Aggregation Database (gnomAD; dbSNP rs1387516050). Although this variant has been seen in the general population in a heterozygous state, its frequency is low enough to be consistent with a recessive carrier frequency. This variant has also been reported in ClinVar (Variation ID: 1098920) and has been interpreted as likely pathogenic by Genesis Genoma Lab. Computational prediction tools and conservation analyses do not provide strong support for or against an impact to the protein. In summary, the clinical significance of the p.Val249Met variant is uncertain. ACMG/AMP Criteria applied: PM2_supporting (Richards 2015).

Genesis Genoma Lab
Classification: Likely pathogenic for Myoclonic epilepsy of Lafora 1. Last evaluated: 2021-05-20. Review status: no assertion criteria provided. Collection method: clinical testing. Allele origin: germline. Inheritance: Autosomal recessive inheritance. Affected: yes. Observed: 1 variant allele, 1 compound heterozygote. Not counted in ClinVar's aggregate classification.

NM_005670.4(EPM2A):c.745G>A (p.Val249Met)

Gene: EPM2A (EPM2A glucan phosphatase, laforin; minus strand). Cytogenetic location: 6q24.3.
Variant type: single nucleotide variant.
Coding change: c.745G>A on transcript NM_005670.4 (MANE Select); coding-DNA position 745, G replaced by A.
Protein change: p.Val249Met; replaces valine 249 with methionine.
Molecular consequence: missense variant. On other transcripts: non-coding transcript variant (1).
Genome position (GRCh38, 1-based): chr6:145,627,667, C>T on the plus strand (G>A on the coding strand, the complement: EPM2A is on the minus strand). VCF-style: chr6-145627667-C-T. GRCh37 (hg19) VCF-style: chr6-145948803-C-T.
Other names: NM_005670.4(EPM2A):c.745G>A; p.Val249Met; c.745G>A, p.Val249Met (NM_001018041.2); c.503G>A, p.Gly168Asp (NM_001360057.2); c.331G>A, p.Val111Met (NM_001360064.2, NM_001360071.2, NM_001368131.1); c.283G>A, p.Val95Met (NM_001368129.2, NM_001368132.1); short protein forms G168D, V111M, V249M, V95M.
Identifiers: ClinVar variation 1098920 (VCV001098920.2), dbSNP rs1387516050, ClinGen allele CA366190436.